The following is an entry in ClinVar:

ClinVar aggregate classification (germline): Pathogenic. Review status: criteria provided, multiple submitters, no conflicts (2 of 4 stars). 5 submissions from 5 submitters: Pathogenic (5). Last evaluated 2025-12-30.

Conditions:
3-methylcrotonyl-CoA carboxylase 2 deficiency. Also called: 3 alpha methylcrotonyl-CoA carboxylase 2 deficiency; 3 alpha methylcrotonylglycinuria 2; MCC 2 deficiency; Methylcrotonylglycinuria type 2; METHYLCROTONYLGLYCINURIA, TYPE II. Identifiers: Orphanet 6, MedGen C1859499, MONDO:0008862, OMIM 210210.

Allele frequency attached by ClinVar (database versions not stated): TOPMed 0.00003.
gnomAD v4.1: 20 of 1,613,790 alleles (0.0012%); highest among the groups gnomAD compares: Middle Eastern, 0.016%; no homozygotes.

Submissions (5):

Natera, Inc.
Classification: Pathogenic for 3-methylcrotonyl-CoA carboxylase 2 deficiency. Last evaluated: 2025-12-30. Review status: criteria provided, single submitter. Criteria: Natera Variant Classification Schema (03/2026). Collection method: clinical testing. Allele origin: germline.
Comment: The c.214C>T variant in MCCC2 is a nonsense variant predicted to introduce a stop codon at amino acid 72. This variant is expected to result in nonsense mediated decay, truncation, or a dysfunctional protein product. This variant is rare in the general population with a frequency below the threshold expected for the associated phenotype(s). This variant has been observed in one or more individuals affected with the associated recessive disease, as either homozygous or compound heterozygous with a second variant (PMID: 27033733). Given the available evidence, this variant is classified as Pathogenic.

Labcorp Genetics (formerly Invitae), Labcorp
Classification: Pathogenic for 3-methylcrotonyl-CoA carboxylase 2 deficiency. Last evaluated: 2025-10-09. Review status: criteria provided, single submitter. Criteria: Invitae Variant Classification Sherloc (09022015). Collection method: clinical testing. Allele origin: germline.
Comment: This sequence change creates a premature translational stop signal (p.Arg72*) in the MCCC2 gene. It is expected to result in an absent or disrupted protein product. Loss-of-function variants in MCCC2 are known to be pathogenic (PMID: 11181649, 22642865). This variant is present in population databases (rs147903984, gnomAD 0.007%). This premature translational stop signal has been observed in individual(s) with 3-methylcrotonyl-CoA carboxylase deficiency (PMID: 16010683, 22150417). ClinVar contains an entry for this variant (Variation ID: 286933). Algorithms developed to predict the effect of sequence changes on RNA splicing suggest that this variant may disrupt the consensus splice site. For these reasons, this variant has been classified as Pathogenic.

Myriad Genetics, Inc.
Classification: Pathogenic for 3-methylcrotonyl-CoA carboxylase 2 deficiency. Last evaluated: 2024-05-06. Review status: criteria provided, single submitter. Criteria: Myriad Autosomal Dominant, Autosomal Recessive and X-Linked Classification Criteria (2023). Collection method: clinical testing. Allele origin: unknown.
Comment: NM_022132.4(MCCC2):c.214C>T(R72*) is expected to be pathogenic in the context of 3-methylcrotonyl-CoA carboxylase deficiency, MCCC2-related. This variant is predicted to lead to an abnormal or absent protein product due to the creation of a premature termination codon in MCCC2, a gene where loss-of-function variants are known to be pathogenic. Please note: this variant was assessed in the context of healthy population screening.

GeneDx
Classification: Pathogenic. Last evaluated: 2023-09-12. Review status: criteria provided, single submitter. Criteria: GeneDx Variant Classification Process June 2021. Collection method: clinical testing. Allele origin: germline. Affected: yes.
Comment: Identified in the heterozygous state with a second MCCC2 variant in infants identified by newborn screening, but it is not known whether the variants occurred on the same (in cis) or on different (in trans) chromosomes (Dantas et al., 2005; Forsyth et al., 2016); Nonsense variant predicted to result in protein truncation or nonsense mediated decay in a gene for which loss-of-function is a known mechanism of disease; Not observed at significant frequency in large population cohorts (gnomAD); This variant is associated with the following publications: (PMID: 25525159, 27033733, 16010683, 32778825)

Eurofins Ntd Llc (ga)
Classification: Pathogenic. Last evaluated: 2016-03-15. Review status: criteria provided, single submitter. Criteria: EGL Classification Definitions 2015. Collection method: clinical testing. Allele origin: germline. Observed: 2 variant alleles, 2 heterozygotes.

Literature cited by the submitters: PubMed 27033733 (cited by Natera, Inc.); PubMed 11181649 (cited by Labcorp Genetics (formerly Invitae), Labcorp); PubMed 22642865 (cited by Labcorp Genetics (formerly Invitae), Labcorp); PubMed 16010683 (cited by Labcorp Genetics (formerly Invitae), Labcorp); PubMed 22150417 (cited by Labcorp Genetics (formerly Invitae), Labcorp).

NM_022132.5(MCCC2):c.214C>T (p.Arg72Ter)

Gene: MCCC2 (methylcrotonyl-CoA carboxylase subunit 2; plus strand). Cytogenetic location: 5q13.2.
Variant type: single nucleotide variant.
Coding change: c.214C>T on transcript NM_022132.5 (MANE Select); coding-DNA position 214, C replaced by T.
Protein change: p.Arg72Ter; replaces arginine 72 with a stop codon.
Molecular consequence: nonsense.
Genome position (GRCh38, 1-based): chr5:71,596,297, C>T. VCF-style: chr5-71596297-C-T. GRCh37 (hg19) VCF-style: chr5-70892124-C-T.
Other names: c.214C>T, p.Arg72Ter (NM_001363147.1); short protein forms R72*.
Identifiers: ClinVar variation 286933 (VCV000286933.21), dbSNP rs147903984, ClinGen allele CA3297704.
Genomic context (GRCh38, chr5:71,596,297, plus strand): 5'-TATCGTGTCAATCTAATCTAATCTAATCACATTTCTATCATAGGAGGTGGTGAGAAAGCC[C>T]GAGCACTTCACATATCAAGAGGAAAACTATTGCCCAGAGAAAGAATTGACAATCTCATAG-3'